The following is an entry in ClinVar:

NM_002890.3(RASA1):c.2810_2811del (p.Val937fs)

Genes: CCNH (cyclin H; minus strand), RASA1 (RAS p21 protein activator 1; plus strand). Cytogenetic location: 5q14.3.
Variant type: Microsatellite.
Coding change: c.2810_2811del on transcript NM_002890.3 (MANE Select); coding-DNA positions 2810 to 2811, 2 bases deleted (TG; older notation c.2810_2811delTG).
Protein change: p.Val937fs; shifts the reading frame from valine 937.
Molecular consequence: frameshift variant. On other transcripts: intron variant (1).
Genome position (GRCh38, 1-based): chr5:87,385,352-87,385,353, TG deleted; deleting any 2 consecutive bases within chr5:87,385,350-87,385,353 gives the same sequence; the c. name uses the placement nearest the transcript's 3' end. VCF-style (leftmost placement, unchanged base first): chr5-87385349-CTG-C. GRCh37 (hg19) VCF-style: chr5-86681166-CTG-C.
Other names: c.2279_2280del, p.Val760fs (NM_022650.3); c.933+9693_933+9694del (NM_001364075.2); short protein forms V760fs, V937fs.
Identifiers: ClinVar variation 942746 (VCV000942746.9), dbSNP rs1761994695, ClinGen allele CA1561608172.

ClinVar aggregate classification (germline): Pathogenic (1 of 4 stars; one submission).

Conditions:
Capillary malformation-arteriovenous malformation syndrome. Also called: Capillary malformation-arteriovenous malformation. Identifiers: Orphanet 137667, MedGen C1842180, MONDO:0012016.

Submission:

Labcorp Genetics (formerly Invitae), Labcorp
Classification: Pathogenic for Capillary malformation-arteriovenous malformation syndrome. Last evaluated: 2019-06-29. Review status: criteria provided, single submitter. Criteria: Invitae Variant Classification Sherloc (09022015). Collection method: clinical testing. Allele origin: germline.
Comment: For these reasons, this variant has been classified as Pathogenic. Loss-of-function variants in RASA1 are known to be pathogenic (PMID: 24038909). This variant has not been reported in the literature in individuals with RASA1-related conditions. This variant is not present in population databases (ExAC no frequency). This sequence change creates a premature translational stop signal (p.Val937Alafs*12) in the RASA1 gene. It is expected to result in an absent or disrupted protein product.

Literature cited by the submitters: PubMed 24038909.